The following is an entry in ClinVar:

NM_173354.5(SIK1):c.2226C>G (p.Pro742=)

Gene: SIK1 (salt inducible kinase 1; minus strand). Cytogenetic location: 21q22.3.
Variant type: single nucleotide variant.
Coding change: c.2226C>G on transcript NM_173354.5 (MANE Select); coding-DNA position 2226, C replaced by G.
Protein change: p.Pro742=; no amino-acid change (proline 742 retained).
Molecular consequence: synonymous variant.
Genome position (GRCh38, 1-based): chr21:43,416,868, G>C on the plus strand (C>G on the coding strand, the complement: SIK1 is on the minus strand). VCF-style: chr21-43416868-G-C. GRCh37 (hg19) VCF-style: chr21-44836748-G-C.
Identifiers: ClinVar variation 743930 (VCV000743930.36), dbSNP rs199872172, ClinGen allele CA321324300.

ClinVar aggregate classification (germline): Likely benign. Review status: criteria provided, multiple submitters, no conflicts (2 of 4 stars). 3 submissions from 3 submitters: Likely benign (3). Last evaluated 2024-04-10.

Conditions:
Developmental and epileptic encephalopathy, 30 (DEE30). Also called: Epileptic encephalopathy, early infantile, 30. Identifiers: MedGen C4225360, MONDO:0014595, OMIM 616341.

Submissions (3):

Labcorp Genetics (formerly Invitae), Labcorp
Classification: Likely benign for Developmental and epileptic encephalopathy, 30. Last evaluated: 2024-04-10. Review status: criteria provided, single submitter. Criteria: Invitae Variant Classification Sherloc (09022015). Collection method: clinical testing. Allele origin: germline.

Blueprint Genetics
Classification: Likely benign. Last evaluated: 2023-08-25. Review status: criteria provided, single submitter. Criteria: ACMG Guidelines, 2015. Collection method: clinical testing. Allele origin: germline.

CeGaT Center for Human Genetics Tuebingen
Classification: Likely benign. Last evaluated: 2023-01-01. Review status: criteria provided, single submitter. Criteria: CeGaT Center For Human Genetics Tuebingen Variant Classification Criteria Version 2. Collection method: clinical testing. Allele origin: germline. Affected: yes. Observed: 1 variant allele.
Comment: SIK1: BP4, BP7